The following is an entry in ClinVar:

NM_002103.5(GYS1):c.2084G>A (p.Arg695His)

Gene: GYS1 (glycogen synthase 1; minus strand). Cytogenetic location: 19q13.33.
Variant type: single nucleotide variant.
Coding change: c.2084G>A on transcript NM_002103.5 (MANE Select); coding-DNA position 2084, G replaced by A.
Protein change: p.Arg695His; replaces arginine 695 with histidine.
Molecular consequence: missense variant. On other transcripts: non-coding transcript variant (1).
Genome position (GRCh38, 1-based): chr19:48,969,418, C>T on the plus strand (G>A on the coding strand, the complement: GYS1 is on the minus strand). VCF-style: chr19-48969418-C-T. GRCh37 (hg19) VCF-style: chr19-49472675-C-T.
Other names: p.Arg695His; c.1892G>A, p.Arg631His (NM_001161587.2); short protein forms R631H, R695H.
Identifiers: ClinVar variation 4542358 (VCV004542358.1).

ClinVar aggregate classification (germline): Uncertain significance (1 of 4 stars; one submission).

gnomAD v4.1: 2 of 1,548,054 alleles (0.00013%); highest among the groups gnomAD compares: Non-Finnish European, 0.00017%; no homozygotes.

Submission:

Mayo Clinic Laboratories, Mayo Clinic
Classification: Uncertain significance. Last evaluated: 2025-10-09. Review status: criteria provided, single submitter. Criteria: ACMG Guidelines, 2015. Collection method: clinical testing. Allele origin: germline. Observed: 1 variant allele.
Comment: BP4_moderate, PM2_supporting